The following is an entry in ClinVar:

ClinVar aggregate classification (germline): Uncertain significance (1 of 4 stars; one submission).

Submission:

Labcorp Genetics (formerly Invitae), Labcorp
Classification: Uncertain significance. Last evaluated: 2025-11-15. Review status: criteria provided, single submitter. Criteria: Invitae Variant Classification Sherloc (09022015). Collection method: clinical testing. Allele origin: germline.
Comment: This sequence change falls in intron 30 of the MYO7A gene. It does not directly change the encoded amino acid sequence of the MYO7A protein. It affects a nucleotide within the consensus splice site. This variant is not present in population databases (gnomAD no frequency). This variant has not been reported in the literature in individuals affected with MYO7A-related conditions. Variants that disrupt the consensus splice site are a relatively common cause of aberrant splicing (PMID: 17576681, 9536098). Algorithms developed to predict the effect of sequence changes on RNA splicing suggest that this variant is not likely to affect RNA splicing. In summary, the available evidence is currently insufficient to determine the role of this variant in disease. Therefore, it has been classified as a Variant of Uncertain Significance.

Literature cited by the submitters: PubMed 17576681; PubMed 9536098.

NM_000260.4(MYO7A):c.3924+5G>A

Gene: MYO7A (myosin VIIA; plus strand). Cytogenetic location: 11q13.5.
Variant type: single nucleotide variant.
Coding change: c.3924+5G>A on transcript NM_000260.4 (MANE Select); 5 bases into the intron after coding-DNA position 3924, G replaced by A.
Molecular consequence: intron variant.
Genome position (GRCh38, 1-based): chr11:77,190,875, G>A. VCF-style: chr11-77190875-G-A. GRCh37 (hg19) VCF-style: chr11-76901920-G-A.
Other names: c.3891+5G>A (NM_001369365.1); c.3924+5G>A (NM_001127180.2).
Identifiers: ClinVar variation 4702506 (VCV004702506.1).